The following is an entry in ClinVar:

NM_148960.3(CLDN19):c.263T>A (p.Val88Glu)

Gene: CLDN19 (claudin 19; minus strand). Cytogenetic location: 1p34.2.
Variant type: single nucleotide variant.
Coding change: c.263T>A on transcript NM_148960.3 (MANE Select); coding-DNA position 263, T replaced by A.
Protein change: p.Val88Glu; replaces valine 88 with glutamic acid.
Molecular consequence: missense variant.
Genome position (GRCh38, 1-based): chr1:42,738,546, A>T on the plus strand (T>A on the coding strand, the complement: CLDN19 is on the minus strand). VCF-style: chr1-42738546-A-T. GRCh37 (hg19) VCF-style: chr1-43204217-A-T.
Other names: c.263T>A, p.Val88Glu (NM_001123395.2, NM_001185117.2); short protein forms V88E.
Identifiers: ClinVar variation 3384045 (VCV003384045.1).

ClinVar aggregate classification (germline): Likely pathogenic (1 of 4 stars; one submission).

Conditions:
Renal hypomagnesemia 5 with ocular involvement. Also called: FHHNC WITH SEVERE OCULAR INVOLVEMENT; HYPOMAGNESEMIA, FAMILIAL, WITH HYPERCALCIURIA, NEPHROCALCINOSIS, AND SEVERE OCULAR INVOLVEMENT; MACULAR COLOBOMA, BILATERAL, WITH HYPERCALCIURIA; HYPOMAGNESEMIA 5, RENAL, WITH OR WITHOUT OCULAR INVOLVEMENT. Identifiers: Orphanet 2196, MedGen C4721891, MONDO:0009548, OMIM 248190.

Submission:

Dubai Health Genomic Medicine Center, Dubai Health
Classification: Likely pathogenic for Hypomagnesemia 5, renal, with ocular involvement. Last evaluated: 2024-10-04. Review status: criteria provided, single submitter. Criteria: ACMG Guidelines, 2015. Collection method: research. Allele origin: germline. Affected: yes.
Comment: PM3,PM2,PP3,PP1